The following is an entry in ClinVar:

NM_002432.3(MNDA):c.1045G>A (p.Asp349Asn)

Gene: MNDA (myeloid cell nuclear differentiation antigen; plus strand). Cytogenetic location: 1q23.1.
Variant type: single nucleotide variant.
Coding change: c.1045G>A on transcript NM_002432.3 (MANE Select); coding-DNA position 1045, G replaced by A.
Protein change: p.Asp349Asn; replaces aspartic acid 349 with asparagine.
Molecular consequence: missense variant.
Genome position (GRCh38, 1-based): chr1:158,847,785, G>A. VCF-style: chr1-158847785-G-A. GRCh37 (hg19) VCF-style: chr1-158817575-G-A.
Other names: short protein forms D349N.
Identifiers: ClinVar variation 1775282 (VCV001775282.3), dbSNP rs1196161846, ClinGen allele CA343043997.
Genomic context (GRCh38, chr1:158,847,785, plus strand): 5'-CAGAAAAGCGTACACAAGAAGAACACAATTTATGAAATACAGGATAATACAGGATCCATG[G>A]ATGTAGTGGGGAGTGGAAAATGGCACAATATCAAGTGTGAGAAAGGAGATAAACTTCGAC-3'
Protein context (NP_002423.1, residues 339-359): YEIQDNTGSM[Asp349Asn]VVGSGKWHNI

ClinVar aggregate classification (germline): Uncertain significance (1 of 4 stars; one submission).

Allele frequency attached by ClinVar (database versions not stated): gnomAD exomes below 0.00001; TOPMed below 0.00001; gnomAD 0.00001.
gnomAD v4.1: 4 of 1,613,884 alleles (0.00025%); highest among the groups gnomAD compares: South Asian, 0.0022%; no homozygotes.

Submission:

Ambry Genetics
Classification: Uncertain significance. Last evaluated: 2024-09-24. Review status: criteria provided, single submitter. Criteria: Ambry Variant Classification Scheme 2023. Collection method: clinical testing. Allele origin: germline.
Comment: The p.D349N variant (also known as c.1045G>A), located in coding exon 5 of the MNDA gene, results from a G to A substitution at nucleotide position 1045. The aspartic acid at codon 349 is replaced by asparagine, an amino acid with highly similar properties. This amino acid position is conserved. In addition, this alteration is predicted to be tolerated by in silico analysis. Since supporting evidence is limited at this time, the clinical significance of this alteration remains unclear.